The following is an entry in ClinVar:

NM_025137.4(SPG11):c.4429C>T (p.Leu1477Phe)

Gene: SPG11 (SPG11 vesicle trafficking associated, spatacsin; minus strand). Cytogenetic location: 15q21.1.
Variant type: single nucleotide variant.
Coding change: c.4429C>T on transcript NM_025137.4 (MANE Select); coding-DNA position 4429, C replaced by T.
Protein change: p.Leu1477Phe; replaces leucine 1477 with phenylalanine.
Molecular consequence: missense variant.
Genome position (GRCh38, 1-based): chr15:44,596,088, G>A on the plus strand (C>T on the coding strand, the complement: SPG11 is on the minus strand). VCF-style: chr15-44596088-G-A. GRCh37 (hg19) VCF-style: chr15-44888286-G-A.
Other names: c.4429C>T, p.Leu1477Phe (NM_001160227.2, NM_001411132.1); short protein forms L1477F.
Identifiers: ClinVar variation 5000707 (VCV005000707.1).
Genomic context (GRCh38, chr15:44,596,088, plus strand): 5'-ATTACTTATTCTATTGTTCTCTGGGTACTTACTTCAGGCTTCTCATGATCCTCACCTGGA[G>A]ACATGAGGCCAGAACACTGAGGATAGGGGCCTGTTGTTTCACTGCTTCAACCAGAAGCCA-3'
Protein context (NP_079413.3, residues 1467-1487): APILSVLASC[Leu1477Phe]QGASAISCLC

ClinVar aggregate classification (germline): Uncertain significance (1 of 4 stars; one submission).

Conditions:
SPG11-related disorder. Also called: SPG11-related condition.

gnomAD v4.1: 1 of 1,613,294 alleles (0.000062%); highest among the groups gnomAD compares: Non-Finnish European, 0.000085%; no homozygotes.

Submission:

PreventionGenetics, part of Exact Sciences
Classification: Uncertain significance for SPG11-related condition. Last evaluated: 2025-03-30. Review status: criteria provided, single submitter. Criteria: ACMG Guidelines, 2015. Collection method: clinical testing. Allele origin: germline.
Comment: The SPG11 c.4429C>T variant is predicted to result in the amino acid substitution p.Leu1477Phe. To our knowledge, this variant has not been reported in the literature or in a large population database (gnomAD), indicating this variant is rare. At this time, the clinical significance of this variant is uncertain due to the absence of conclusive functional and genetic evidence.